The following is an entry in ClinVar:

ClinVar aggregate classification (germline): Uncertain significance. Review status: criteria provided, multiple submitters, no conflicts (2 of 4 stars). 2 submissions from 2 submitters: Uncertain significance (2). Last evaluated 2024-01-30.

Conditions:
Inborn genetic diseases. Identifiers: MedGen C0950123, MeSH D030342.
Intellectual developmental disorder, autosomal dominant 1. Also called: Intellectual disability, autosomal dominant 1; MBD5 Haploinsufficiency. Identifiers: Orphanet 228402, MedGen C1969562, MONDO:0007974, OMIM 156200.

Allele frequency attached by ClinVar (database versions not stated): gnomAD exomes 0.00001 and below 0.00001; ExAC 0.00001; TOPMed 0.00002; gnomAD 0.00001.
gnomAD v4.1: 5 of 1,613,942 alleles (0.00031%); highest among the groups gnomAD compares: East Asian, 0.0067%; no homozygotes.

Submissions (2):

Ambry Genetics
Classification: Uncertain significance for Inborn genetic diseases. Last evaluated: 2024-01-30. Review status: criteria provided, single submitter. Criteria: Ambry Variant Classification Scheme 2023. Collection method: clinical testing. Allele origin: germline.

Labcorp Genetics (formerly Invitae), Labcorp
Classification: Uncertain significance for Intellectual developmental disorder, autosomal dominant 1. Last evaluated: 2023-03-25. Review status: criteria provided, single submitter. Criteria: Invitae Variant Classification Sherloc (09022015). Collection method: clinical testing. Allele origin: germline.
Comment: ClinVar contains an entry for this variant (Variation ID: 1047665). In summary, the available evidence is currently insufficient to determine the role of this variant in disease. Therefore, it has been classified as a Variant of Uncertain Significance. Advanced modeling of protein sequence and biophysical properties (such as structural, functional, and spatial information, amino acid conservation, physicochemical variation, residue mobility, and thermodynamic stability) performed at Invitae indicates that this missense variant is not expected to disrupt MBD5 protein function. This variant has not been reported in the literature in individuals affected with MBD5-related conditions. This variant is present in population databases (rs758196921, gnomAD 0.006%). This sequence change replaces arginine, which is basic and polar, with lysine, which is basic and polar, at codon 1020 of the MBD5 protein (p.Arg1020Lys).

NM_001378120.1(MBD5):c.3758G>A (p.Arg1253Lys)

Gene: MBD5 (methyl-CpG binding domain protein 5; plus strand). Cytogenetic location: 2q23.1.
Variant type: single nucleotide variant.
Coding change: c.3758G>A on transcript NM_001378120.1 (MANE Select); coding-DNA position 3758, G replaced by A.
Protein change: p.Arg1253Lys; replaces arginine 1253 with lysine.
Molecular consequence: missense variant.
Genome position (GRCh38, 1-based): chr2:148,489,390, G>A. VCF-style: chr2-148489390-G-A. GRCh37 (hg19) VCF-style: chr2-149246959-G-A.
Other names: c.3059G>A (NM_018328.4); c.3059G>A, p.Arg1020Lys (NM_018328.5); short protein forms R1020K, R1253K.
Identifiers: ClinVar variation 1047665 (VCV001047665.8), dbSNP rs758196921, ClinGen allele CA1900330.